The following is an entry in ClinVar:

ClinVar aggregate classification (germline): Uncertain significance (1 of 4 stars; one submission).

Conditions:
Inborn genetic diseases. Identifiers: MedGen C0950123, MeSH D030342.

Submission:

Ambry Genetics
Classification: Uncertain significance for Inborn genetic diseases. Last evaluated: 2025-06-21. Review status: criteria provided, single submitter. Criteria: Ambry Variant Classification Scheme 2023. Collection method: clinical testing. Allele origin: germline.
Comment: The p.Q492K variant (also known as c.1474C>A), located in coding exon 11 of the CEP57 gene, results from a C to A substitution at nucleotide position 1474. The glutamine at codon 492 is replaced by lysine, an amino acid with similar properties. This amino acid position is conserved. In addition, the in silico prediction for this alteration is inconclusive. Based on the available evidence, the clinical significance of this variant remains unclear.

NM_014679.5(CEP57):c.1474C>A (p.Gln492Lys)

Gene: CEP57 (centrosomal protein 57; plus strand). Cytogenetic location: 11q21.
Variant type: single nucleotide variant.
Coding change: c.1474C>A on transcript NM_014679.5 (MANE Select); coding-DNA position 1474, C replaced by A.
Protein change: p.Gln492Lys; replaces glutamine 492 with lysine.
Molecular consequence: missense variant.
Genome position (GRCh38, 1-based): chr11:95,831,227, C>A. VCF-style: chr11-95831227-C-A. GRCh37 (hg19) VCF-style: chr11-95564391-C-A.
Other names: c.1447C>A, p.Gln483Lys (NM_001243776.2); c.1396C>A, p.Gln466Lys (NM_001243777.2); c.1393C>A, p.Gln465Lys (NM_001363604.2, NM_001440869.1, NM_001440870.1); c.1366C>A, p.Gln456Lys (NM_001440871.1); c.1357C>A, p.Gln453Lys (NM_001440872.1); c.1294C>A, p.Gln432Lys (NM_001440873.1); c.1288C>A, p.Gln430Lys (NM_001440874.1); c.1285C>A, p.Gln429Lys (NM_001440875.1); and 6 more; short protein forms Q393K, Q426K, Q427K, Q429K, Q453K, Q492K, Q391K, Q417K.
Identifiers: ClinVar variation 4226331 (VCV004226331.1).
Genomic context (GRCh38, chr11:95,831,227, plus strand): 5'-GAAAAAAGGAGAAAAAATCTTCAGTTATTGAAGGACATGCAAAGCATACAGAATTCATTA[C>A]AAAGCAGTAGTTTGTGTTGGGATTACTGACTCATAACCAGGTCAGAAATTTTATTCAGAT-3'
Protein context (NP_055494.2, residues 482-500): KDMQSIQNSL[Gln492Lys]SSSLCWDY